The following is an entry in ClinVar:

NM_001127178.3(PIGG):c.2236C>T (p.Arg746Trp)

Gene: PIGG (phosphatidylinositol glycan anchor biosynthesis class G (EMM blood group); plus strand). Cytogenetic location: 4p16.3.
Variant type: single nucleotide variant.
Coding change: c.2236C>T on transcript NM_001127178.3 (MANE Select); coding-DNA position 2236, C replaced by T.
Protein change: p.Arg746Trp; replaces arginine 746 with tryptophan.
Molecular consequence: missense variant. On other transcripts: non-coding transcript variant (10).
Genome position (GRCh38, 1-based): chr4:527,205, C>T. VCF-style: chr4-527205-C-T. GRCh37 (hg19) VCF-style: chr4-520994-C-T.
Other names: c.1969C>T, p.Arg657Trp (NM_001289051.2, NM_001345986.2); c.1837C>T, p.Arg613Trp (NM_001289052.2); c.1945C>T, p.Arg649Trp (NM_001345987.2); c.1207C>T, p.Arg403Trp (NM_001345988.2); c.703C>T, p.Arg235Trp (NM_001345990.2, NM_001345991.2); c.1138C>T, p.Arg380Trp (NM_001345994.2); c.2212C>T, p.Arg738Trp (NM_017733.5); c.2236C>T (NM_001127178.1); short protein forms R657W, R738W, R235W, R403W, R613W, R746W, R380W, R649W.
Identifiers: ClinVar variation 1397828 (VCV001397828.7), dbSNP rs1368574950, ClinGen allele CA355909074.

ClinVar aggregate classification (germline): Uncertain significance. Review status: criteria provided, multiple submitters, no conflicts (2 of 4 stars). 2 submissions from 2 submitters: Uncertain significance (2). Last evaluated 2024-10-16.

Conditions:
Intellectual disability, autosomal recessive 53 (NEDHSCA). Also called: GLYCOSYLPHOSPHATIDYLINOSITOL BIOSYNTHESIS DEFECT 13; Mental retardation, autosomal recessive 53; NEURODEVELOPMENTAL DISORDER WITH OR WITHOUT HYPOTONIA, SEIZURES, AND CEREBELLAR ATROPHY. Identifiers: Orphanet 488635, MedGen C4310794, MONDO:0014832, OMIM 616917.
Inborn genetic diseases. Identifiers: MedGen C0950123, MeSH D030342.

Allele frequency attached by ClinVar (database versions not stated): gnomAD exomes below 0.00001; TOPMed 0.00001; gnomAD 0.00002.
gnomAD v4.1: 9 of 1,600,832 alleles (0.00056%); highest among the groups gnomAD compares: African/African-American, 0.0027%; no homozygotes.

Submissions (2):

Labcorp Genetics (formerly Invitae), Labcorp
Classification: Uncertain significance for Intellectual disability, autosomal recessive 53. Last evaluated: 2024-10-16. Review status: criteria provided, single submitter. Criteria: Invitae Variant Classification Sherloc (09022015). Collection method: clinical testing. Allele origin: germline.
Comment: This sequence change replaces arginine, which is basic and polar, with tryptophan, which is neutral and slightly polar, at codon 746 of the PIGG protein (p.Arg746Trp). The frequency data for this variant in the population databases is considered unreliable, as metrics indicate poor data quality at this position in the gnomAD database. This variant has not been reported in the literature in individuals affected with PIGG-related conditions. ClinVar contains an entry for this variant (Variation ID: 1397828). Invitae Evidence Modeling of protein sequence and biophysical properties (such as structural, functional, and spatial information, amino acid conservation, physicochemical variation, residue mobility, and thermodynamic stability) indicates that this missense variant is not expected to disrupt PIGG protein function with a negative predictive value of 80%. In summary, the available evidence is currently insufficient to determine the role of this variant in disease. Therefore, it has been classified as a Variant of Uncertain Significance.

Ambry Genetics
Classification: Uncertain significance for Inborn genetic diseases. Last evaluated: 2023-10-05. Review status: criteria provided, single submitter. Criteria: Ambry Variant Classification Scheme 2023. Collection method: clinical testing. Allele origin: germline.